The following is an entry in ClinVar:

NM_001127178.3(PIGG):c.2088G>C (p.Glu696Asp)

Gene: PIGG (phosphatidylinositol glycan anchor biosynthesis class G (EMM blood group); plus strand). Cytogenetic location: 4p16.3.
Variant type: single nucleotide variant.
Coding change: c.2088G>C on transcript NM_001127178.3 (MANE Select); coding-DNA position 2088, G replaced by C.
Protein change: p.Glu696Asp; replaces glutamic acid 696 with aspartic acid.
Molecular consequence: missense variant. On other transcripts: non-coding transcript variant (10).
Genome position (GRCh38, 1-based): chr4:527,057, G>C. VCF-style: chr4-527057-G-C. GRCh37 (hg19) VCF-style: chr4-520846-G-C.
Other names: c.1821G>C, p.Glu607Asp (NM_001289051.2, NM_001345986.2); c.1689G>C, p.Glu563Asp (NM_001289052.2); c.1797G>C, p.Glu599Asp (NM_001345987.2); c.1059G>C, p.Glu353Asp (NM_001345988.2); c.555G>C, p.Glu185Asp (NM_001345990.2, NM_001345991.2); c.990G>C, p.Glu330Asp (NM_001345994.2); c.2064G>C, p.Glu688Asp (NM_017733.5); short protein forms E599D, E696D, E607D, E185D, E688D, E330D, E353D, E563D.
Identifiers: ClinVar variation 1047173 (VCV001047173.8), dbSNP rs1203666288, ClinGen allele CA355908475.

ClinVar aggregate classification (germline): Uncertain significance. Review status: criteria provided, single submitter (1 of 4 stars). 2 submissions from 2 submitters: Uncertain significance (1). 1 of the submissions does not count toward it. Last evaluated 2022-09-01.

Conditions:
Intellectual disability, autosomal recessive 53 (NEDHSCA). Also called: NEURODEVELOPMENTAL DISORDER WITH OR WITHOUT HYPOTONIA, SEIZURES, AND CEREBELLAR ATROPHY; GLYCOSYLPHOSPHATIDYLINOSITOL BIOSYNTHESIS DEFECT 13; Mental retardation, autosomal recessive 53. Identifiers: Orphanet 488635, MedGen C4310794, MONDO:0014832, OMIM 616917.

gnomAD v4.1: 2 of 1,614,132 alleles (0.00012%); highest among the groups gnomAD compares: East Asian, 0.0022%; no homozygotes.

Submissions (2):

Labcorp Genetics (formerly Invitae), Labcorp
Classification: Uncertain significance for Intellectual disability, autosomal recessive 53. Last evaluated: 2022-09-01. Review status: criteria provided, single submitter. Criteria: Invitae Variant Classification Sherloc (09022015). Collection method: clinical testing. Allele origin: germline.
Comment: In summary, the available evidence is currently insufficient to determine the role of this variant in disease. Therefore, it has been classified as a Variant of Uncertain Significance. Algorithms developed to predict the effect of missense changes on protein structure and function (SIFT, PolyPhen-2, Align-GVGD) all suggest that this variant is likely to be tolerated. ClinVar contains an entry for this variant (Variation ID: 1047173). This variant has not been reported in the literature in individuals affected with PIGG-related conditions. This variant is not present in population databases (gnomAD no frequency). This sequence change replaces glutamic acid, which is acidic and polar, with aspartic acid, which is acidic and polar, at codon 696 of the PIGG protein (p.Glu696Asp).

OMIM
Classification: Pathogenic for NEURODEVELOPMENTAL DISORDER WITH HYPOTONIA AND WITHOUT SEIZURES AND CEREBELLAR ATROPHY. Last evaluated: 2022-04-30. Review status: no assertion criteria provided. Collection method: literature only. Allele origin: germline. Not counted in ClinVar's aggregate classification.

Literature cited by the submitters: PubMed 34113002 (cited by OMIM).